The following is an entry in ClinVar:

NM_000059.4(BRCA2):c.317-248C>T

Gene: BRCA2 (BRCA2 DNA repair associated; plus strand). Cytogenetic location: 13q13.1.
Variant type: single nucleotide variant.
Coding change: c.317-248C>T on transcript NM_000059.4 (MANE Select); 248 bases into the intron before coding-DNA position 317, C replaced by T.
Molecular consequence: intron variant.
Genome position (GRCh38, 1-based): chr13:32,324,828, C>T. VCF-style: chr13-32324828-C-T. GRCh37 (hg19) VCF-style: chr13-32898965-C-T.
Other names: c.317-248C>T (NM_001432077.1, NM_001406720.1, NM_001406719.1 and 1 more transcripts); c.-53-248C>T (NM_001406722.1).
Identifiers: ClinVar variation 4867789 (VCV004867789.1).

ClinVar aggregate classification (germline): Uncertain significance (1 of 4 stars; one submission).

Conditions:
Hereditary cancer-predisposing syndrome. Also called: Neoplastic Syndromes, Hereditary; Tumor predisposition; Hereditary Cancer Syndrome; Hereditary neoplastic syndrome. Identifiers: Orphanet 140162, MedGen C0027672, MeSH D009386, MONDO:0015356.

Submission:

Ambry Genetics
Classification: Uncertain significance for Hereditary cancer-predisposing syndrome. Last evaluated: 2026-03-24. Review status: criteria provided, single submitter. Criteria: Ambry Variant Classification Scheme 2023. Collection method: clinical testing. Allele origin: germline.
Comment: The c.317-248C>T intronic variant results from a C to T substitution 248 nucleotides upstream from coding exon 3 in the BRCA2 gene. This nucleotide position is well conserved in available vertebrate species. In silico splice site analysis predicts that this alteration will result in the creation or strengthening of a novel splice donor site; however, direct evidence is insufficient at this time (Ambry internal data). Based on the available evidence, the clinical significance of this variant remains unclear.